The following continues an entry in ClinVar:

NM_000256.3(MYBPC3):c.1224-52G>A

Gene: MYBPC3. ClinVar aggregate classification (germline): Pathogenic/Likely pathogenic. Pathogenic (20); Likely pathogenic (3).

Submissions 10 to 21 of 23:

Dubai Health Genomic Medicine Center, Dubai Health
Classification: Pathogenic for Cardiomyopathy. Last evaluated: 2024-10-04. Review status: criteria provided, single submitter. Criteria: ACMG Guidelines, 2015. Collection method: research. Allele origin: germline. Affected: yes.
Comment: PVS1,PP1,PS4,PM2

All of Us Research Program, National Institutes of Health
Classification: Pathogenic for Hypertrophic cardiomyopathy. Last evaluated: 2024-09-26. Review status: criteria provided, single submitter. Criteria: ACMG Guidelines, 2015. Collection method: clinical testing. Allele origin: germline. Inheritance: Autosomal dominant inheritance. Observed: 2 variant alleles, 2 heterozygotes.
Comment: This variant causes a G to A nucleotide substitution at the -52 position of intron 13 of the MYBPC3 gene. RNA studies have shown that this variant causes inclusion of 50 intronic nucleotides, resulting in a frameshift and premature translation stop signal (PMID: 30025578, 32163302, 33657327). This variant has been reported in over 50 individuals affected with hypertrophic cardiomyoathy (PMID: 30025578, 32163302, 32396390, 33657327, 35288587, 35508642), and in an individual affected with sudden death (PMID: 38489124). In a study of a large cohort of individuals affected with hypertrophic cardiomyopathy, this variant was observed in 55 individuals out of a total of 5393 affected individuals (PMID: 32163302). It has been shown that this variant segregates with disease in multiple individuals across at least 9 families (PMID: 30025578, 32163302, 32396390, 35288587). This variant has been identified in 1/31334 chromosomes in the general population by the Genome Aggregation Database (gnomAD). Loss of MYBPC3 function is a known mechanism of disease. Based on the available evidence, this variant is classified as Pathogenic.

This study involves interpretation of variants in research participants for the purpose of population health screening. Participant phenotype was not available at the time of variant classification. Additional details can be found in publication PMID: 35346344, PMCID: PMC8962531

Blueprint Genetics
Classification: Pathogenic for MYBPC3-related disorders. Last evaluated: 2024-09-14. Review status: criteria provided, single submitter. Criteria: ACMG Guidelines, 2015. Collection method: clinical testing. Allele origin: germline. Affected: yes. Observed: 5 variant alleles.

Color Diagnostics, LLC DBA Color Health
Classification: Pathogenic for Cardiomyopathy. Last evaluated: 2024-07-23. Review status: criteria provided, single submitter. Criteria: ACMG Guidelines, 2015. Collection method: clinical testing. Allele origin: germline.
Comment: This variant causes a G to A nucleotide substitution at the -52 position of intron 13 of the MYBPC3 gene. RNA studies have shown that this variant causes inclusion of 50 intronic nucleotides, resulting in a frameshift and premature translation stop signal (PMID: 30025578, 32163302, 33657327). This variant has been reported in over 50 individuals affected with hypertrophic cardiomyoathy (PMID: 30025578, 32163302, 32396390, 33657327, 35288587, 35508642), and in an individual affected with sudden death (PMID: 38489124). In a study of a large cohort of individuals affected with hypertrophic cardiomyopathy, this variant was observed in 55 individuals out of a total of 5393 affected individuals (PMID: 32163302). It has been shown that this variant segregates with disease in multiple individuals across at least 9 families (PMID: 30025578, 32163302, 32396390, 35288587). This variant has been identified in 1/31334 chromosomes in the general population by the Genome Aggregation Database (gnomAD). Loss of MYBPC3 function is a known mechanism of disease. Based on the available evidence, this variant is classified as Pathogenic.

Fulgent Genetics
Classification: Likely pathogenic for Hypertrophic cardiomyopathy 4; Left ventricular noncompaction 10. Last evaluated: 2024-04-21. Review status: criteria provided, single submitter. Criteria: ACMG Guidelines, 2015. Collection method: clinical testing. Allele origin: germline.

Illumina Laboratory Services, Illumina
Classification: Likely pathogenic for Hypertrophic cardiomyopathy 4. Last evaluated: 2024-03-01. Review status: criteria provided, single submitter. Criteria: ICSLVariantClassificationCriteria RUGD 01 April 2020. Collection method: clinical testing. Allele origin: unknown.
Comment: The MYBPC3 c.1224-52G>A variant occurs in an intron and has been identified in at least 30 unrelated individuals with hypertrophic cardiomyopathy (PMID: 32396390; 35508642). Functional studies conducted in patient cells demonstrated that the c.1224-52G>A variant affects mRNA splicing, causing inclusion of 50 nucleotides, leading to a shift in the protein reading frame that is predicted to result in premature termination of the protein (PMID: 30025578; 32163302; 33657327). The c.1224-52G>A variant is not observed at a significant frequency in version 2.1.1 or version 4.0.0 of the Genome Aggregation Database. This variant has been shown to segregate with disease across multiple families (PMID: 32163302). Based on the available evidence, the c.1224-52G>A variant is classified as likely pathogenic for hypertrophic cardiomyopathy.

Molecular Genetics, Royal Melbourne Hospital
Classification: Pathogenic for Hypertrophic cardiomyopathy. Last evaluated: 2024-01-05. Review status: criteria provided, single submitter. Criteria: ACMG Guidelines, 2015. Collection method: clinical testing. Allele origin: germline. Inheritance: Autosomal dominant inheritance. Affected: yes.
Comment: This sequence change in MYBPC3 is an intronic variant located in intron 13. The highest population minor allele frequency in the population database gnomAD v4.0 is 0.015% (12/78,060 alleles) in the South Asian population. The variant has been identified in ~1% of individuals with hypertrophic cardiomyopathy (HCM), a prevalence that is significantly increased compared with the prevalence in the population (PMID: 32396390). The variant has been reported to segregate with HCM in multiple unrelated families (PMID: 32163302, 32396390). This variant has been observed as homozygous in two siblings with severe infantile cardiomyopathy (PMID: 36980931). The results from an in silico splicing predictor (SpliceAI) indicate that this variant may impact splicing by disrupting the acceptor splice site of intron 13 of MYBPC3. This prediction is confirmed by RT-PCR and RNA sequencing. The assays demonstrated that the variant impacts splicing by apparently near complete cryptic acceptor activation leading to 50 bp intron 13 inclusion and an out-of-frame extension of exon 14 (p.Ser408fs*31; PMID: 30025578, 32163302, 33657327). Based on the classification scheme RMH Modified ACMG/AMP Guidelines v1.6.1, this variant is classified as PATHOGENIC. Following criteria are met: PVS1_Strong, PP1_Strong, PS4.

Rady Children's Institute for Genomic Medicine, Rady Children's Hospital San Diego
Classification: Pathogenic for MYBPC3-related disorders. Last evaluated: 2023-11-02. Review status: criteria provided, single submitter. Criteria: ACMG Guidelines, 2015. Collection method: clinical testing. Allele origin: germline. Affected: yes.
Comment: This intronic variant is located 52 nucleotides upstream of the intron 13/exon 14 boundary. This is a known Pathogenic variant that has been previously reported as a heterozygous or homozygous change in individuals with hypertrophic cardiomyopathy (PMID: 30025578, 32163302, 32396390, 33657327, 36980931). Functional study findings demonstrated that the c.1224-52G>A variant resulted in aberrant splicing that introduces a premature termination codon, causing the mRNA to undergo nonsense mediated decay (PMID: 33657327). The c.1224-52G>A variant is present in the heterozygous state in the gnomAD population database at a frequency of 0.003% (1/31334) and thus is presumed to be rare. Based on the available evidence, c.1224-52G>A is classified as Pathogenic.

Laboratory for Molecular Medicine, Mass General Brigham Personalized Medicine
Classification: Pathogenic for Hypertrophic cardiomyopathy. Last evaluated: 2023-10-18. Review status: criteria provided, single submitter. Criteria: ACMG Guidelines, 2015. Collection method: clinical testing. Allele origin: germline. Inheritance: Autosomal dominant inheritance.
Comment: The c.1224-52G>A variant in MYBPC3 has been reported in > 30 individuals with hypertrophic cardiomyopathy (HCM) and segregated with disease in at least 7 affected relatives from 5 families (Bagnall 2018 PMID: 30025578, Harper 2020 PMID: 32163302). This variant has also been reported by other clinical laboratories in ClinVar (Variation ID: 188544) and has also been identified in 0.003% (2/68000) of European chromosomes and 0.002% (1/41364) of African chromosomes but is absent from all other populations in gnomAD, including the South Asian population (v.3.1.2). Computational splice prediction tools predict an impact on splicing through the creation of a new donor splice site which was also corroborated by functional studies using patient RNA from blood. These showed that this variant impacted splicing, resulting in the inclusion of 50 additional intronic nucleotides that results in a frameshift that leads to a premature termination codon 30 amino acids downstream (Bagnall 2018 PMID: 30025578, Harper 2020 PMID: 32163302). This alteration is then predicted to lead to a truncated or absent protein. Loss of function of the MYBPC3 gene is an established disease mechanism in autosomal HCM. In summary, this variant meets criteria to be classified as pathogenic for autosomal dominant HCM. ACMG/AMP Criteria applied: PS4, PP1_Strong, PM2_Supporting, PS3_Moderate, PP3.

CHEO Genetics Diagnostic Laboratory, Children's Hospital of Eastern Ontario
Classification: Pathogenic for Cardiomyopathy. Last evaluated: 2023-06-22. Review status: criteria provided, single submitter. Criteria: ACMG Guidelines, 2015. Collection method: clinical testing. Allele origin: germline.

Ambry Genetics
Classification: Pathogenic for Cardiovascular phenotype. Last evaluated: 2023-04-13. Review status: criteria provided, single submitter. Criteria: Ambry Variant Classification Scheme 2023. Collection method: clinical testing. Allele origin: germline.
Comment: The c.1224-52G>A intronic pathogenic mutation results from a G to A substitution 52 nucleotides upstream from coding exon 14 in the MYBPC3 gene. This mutation has been reported in individuals with hypertrophic cardiomyopathy (HCM) and has been shown to segregate with disease in affected family members from multiple families (Bagnall RD et al. J. Am. Coll. Cardiol., 2018 07;72:419-429; Harper AR et al. Circ Genom Precis Med, 2020 06;13:e002783). RNA analysis from affected individuals confirmed the insertion of 50 additional nucleotides (Bagnall RD et al. J. Am. Coll. Cardiol., 2018 07;72:419-429; Harper AR et al. Circ Genom Precis Med, 2020 06;13:e002783). In silico splice site analysis predicts that this alteration will result in the creation or strengthening of a novel splice acceptor site. Based on the supporting evidence, this alteration is interpreted as a disease-causing mutation.

MGZ Medical Genetics Center
Classification: Pathogenic for Left ventricular noncompaction 10. Last evaluated: 2021-12-01. Review status: criteria provided, single submitter. Criteria: ACMG Guidelines, 2015. Collection method: clinical testing. Allele origin: germline. Affected: yes. Observed: 1 variant allele.
Comment: ACMG criteria applied: PVS1, PS3_MOD, PM2_SUP, PP1, PP3